The following is an entry in ClinVar:

NM_001267550.2(TTN):c.2670C>A (p.Tyr890Ter)

Gene: TTN (titin; minus strand). Cytogenetic location: 2q31.2.
Variant type: single nucleotide variant.
Coding change: c.2670C>A on transcript NM_001267550.2 (MANE Select); coding-DNA position 2670, C replaced by A.
Protein change: p.Tyr890Ter; replaces tyrosine 890 with a stop codon.
Molecular consequence: nonsense.
Genome position (GRCh38, 1-based): chr2:178,784,175, G>T on the plus strand (C>A on the coding strand, the complement: TTN is on the minus strand). VCF-style: chr2-178784175-G-T. GRCh37 (hg19) VCF-style: chr2-179648902-G-T.
Other names: c.2670C>A, p.Tyr890Ter (NM_001256850.1, NM_133378.4, NM_133379.5); c.2532C>A, p.Tyr844Ter (NM_003319.4, NM_133432.3, NM_133437.4); short protein forms Y890*, Y844*.
Identifiers: ClinVar variation 3330079 (VCV003330079.2).

ClinVar aggregate classification (germline): Likely pathogenic (1 of 4 stars; one submission).

Conditions:
Cardiovascular phenotype. Identifiers: MedGen CN230736.

Submission:

Ambry Genetics
Classification: Likely pathogenic for Cardiovascular phenotype. Last evaluated: 2025-02-25. Review status: criteria provided, single submitter. Criteria: Ambry Variant Classification Scheme 2023. Collection method: clinical testing. Allele origin: germline.
Comment: The p.Y844* variant (also known as c.2532C>A), located in coding exon 14 of the TTN gene, results from a C to A substitution at nucleotide position 2532. This changes the amino acid from a tyrosine to a stop codon within coding exon 14. This exon is located in the near Z-disk region of the N2-B isoform of the titin protein and is constitutively expressed in TTN transcripts (percent spliced in or PSI 99%). This variant is considered to be rare based on population cohorts in the Genome Aggregation Database (gnomAD). This variant is expected to result in loss of function by premature protein truncation or nonsense-mediated mRNA decay. While truncating variants in TTN are present in 1-3% of the general population, truncating variants in the A-band are the most common cause of dilated cardiomyopathy (Herman DS et al. N. Engl. J. Med., 2012 Feb;366:619-28; Roberts AM et al. Sci Transl Med, 2015 Jan;7:270ra6). TTN truncating variants encoded in constitutive exons (PSI >90%) have been found to be significantly associated with DCM regardless of their position in titin (Schafer S et al. Nat. Genet., 2017 01;49:46-53; Akhtar MM et al. Circ Heart Fail, 2020 Oct;13:e006832; Massier M et al. Clin Genet, 2025 Jan). Based on the majority of available evidence to date, this variant is likely to be pathogenic.

Literature cited by the submitters: PubMed 35177841.